The following is an entry in ClinVar:

NM_002350.4(LYN):c.166T>C (p.Phe56Leu)

Gene: LYN (LYN proto-oncogene, Src family tyrosine kinase; plus strand). Cytogenetic location: 8q12.1.
Variant type: single nucleotide variant.
Coding change: c.166T>C on transcript NM_002350.4 (MANE Select); coding-DNA position 166, T replaced by C.
Protein change: p.Phe56Leu; replaces phenylalanine 56 with leucine.
Molecular consequence: missense variant.
Genome position (GRCh38, 1-based): chr8:55,946,481, T>C. VCF-style: chr8-55946481-T-C. GRCh37 (hg19) VCF-style: chr8-56859040-T-C.
Other names: c.103T>C, p.Phe35Leu (NM_001111097.3); short protein forms F35L, F56L.
Identifiers: ClinVar variation 4703846 (VCV004703846.1).
Genomic context (GRCh38, chr8:55,946,481, plus strand): 5'-TTTTTTCTAACAAATATTCTCTCGTAGGTTCCAGAATCTCAGCTTTTACCTGGACAGAGG[T>C]TTCAAACTAAAGGTATGTTTTCATAGCAACATAGTTAAAATTTTTTTTCTTTACTATTAG-3'
Protein context (NP_002341.1, residues 46-66): PESQLLPGQR[Phe56Leu]QTKDPEEQGD

ClinVar aggregate classification (germline): Uncertain significance (1 of 4 stars; one submission).

gnomAD v4.1: 1 of 1,608,990 alleles (0.000062%); highest among the groups gnomAD compares: Admixed American, 0.0017%; no homozygotes.

Submission:

Labcorp Genetics (formerly Invitae), Labcorp
Classification: Uncertain significance. Last evaluated: 2025-07-23. Review status: criteria provided, single submitter. Criteria: Invitae Variant Classification Sherloc (09022015). Collection method: clinical testing. Allele origin: germline.
Comment: This sequence change replaces phenylalanine, which is neutral and non-polar, with leucine, which is neutral and non-polar, at codon 56 of the LYN protein (p.Phe56Leu). This variant is present in population databases (no rsID available, gnomAD 0.003%). This variant has not been reported in the literature in individuals affected with LYN-related conditions. An algorithm developed to predict the effect of missense changes on protein structure and function (PolyPhen-2) suggests that this variant is likely to be tolerated. In summary, the available evidence is currently insufficient to determine the role of this variant in disease. Therefore, it has been classified as a Variant of Uncertain Significance.